The following is an entry in ClinVar:

NM_016642.4(SPTBN5):c.550C>A (p.Leu184Met)

Gene: SPTBN5 (spectrin beta, non-erythrocytic 5; minus strand). Cytogenetic location: 15q15.1.
Variant type: single nucleotide variant.
Coding change: c.550C>A on transcript NM_016642.4 (MANE Select); coding-DNA position 550, C replaced by A.
Protein change: p.Leu184Met; replaces leucine 184 with methionine.
Molecular consequence: missense variant.
Genome position (GRCh38, 1-based): chr15:41,888,037, G>T on the plus strand (C>A on the coding strand, the complement: SPTBN5 is on the minus strand). VCF-style: chr15-41888037-G-T. GRCh37 (hg19) VCF-style: chr15-42180235-G-T.
Other names: short protein forms L184M.
Identifiers: ClinVar variation 3354994 (VCV003354994.1).
Genomic context (GRCh38, chr15:41,888,037, plus strand): 5'-GGGAGAAATCTGTAATGTTCACGTTGGTGTAGCTGGCTGTCTTCCGCTGGCACCAGACCA[G>T]CAGGGCTTCCTTGGTGGACAGCAGGGCTGCGCTGGCCCCAAACTCCTCCTGGCGGGACAG-3'
Protein context (NP_057726.4, residues 174-194): AALLSTKEAL[Leu184Met]VWCQRKTASY

ClinVar aggregate classification (germline): Uncertain significance (0 of 4 stars; one submission).

Conditions:
SPTBN5-related disorder. Also called: SPTBN5-related condition.

Submission:

PreventionGenetics, part of Exact Sciences
Classification: Uncertain significance for SPTBN5-related condition. Last evaluated: 2024-05-16. Review status: no assertion criteria provided. Collection method: clinical testing. Allele origin: germline.
Comment: The SPTBN5 c.550C>A variant is predicted to result in the amino acid substitution p.Leu184Met. To our knowledge, this variant has not been reported in the literature or in a large population database, indicating this variant is rare. At this time, the clinical significance of this variant is uncertain due to the absence of conclusive functional and genetic evidence.